The following is an entry in ClinVar:

NM_032119.4(ADGRV1):c.3289+193A>T

Gene: ADGRV1 (adhesion G protein-coupled receptor V1; plus strand). Cytogenetic location: 5q14.3.
Variant type: single nucleotide variant.
Coding change: c.3289+193A>T on transcript NM_032119.4 (MANE Select); 193 bases into the intron after coding-DNA position 3289, A replaced by T.
Molecular consequence: intron variant.
Genome position (GRCh38, 1-based): chr5:90,647,957, A>T. VCF-style: chr5-90647957-A-T. GRCh37 (hg19) VCF-style: chr5-89943774-A-T.
Identifiers: ClinVar variation 678792 (VCV000678792.1), dbSNP rs116043229, ClinGen allele CA121836432.

ClinVar aggregate classification (germline): Benign (1 of 4 stars; one submission).

Allele frequency attached by ClinVar (database versions not stated): gnomAD 0.99737 and 0.99746; 1000 Genomes Project 30x 0.99953; 1000 Genomes Project 0.99960.
gnomAD v4.1: 151,931 of 152,316 alleles (100%); highest among the groups gnomAD compares: Middle Eastern, 100%; 75,773 homozygotes.

Submission:

GeneDx
Classification: Benign. Last evaluated: 2018-06-14. Review status: criteria provided, single submitter. Criteria: GeneDx Variant Classification (06012015). Collection method: clinical testing. Allele origin: germline. Affected: yes.
Comment: This variant is considered likely benign or benign based on one or more of the following criteria: it is a conservative change, it occurs at a poorly conserved position in the protein, it is predicted to be benign by multiple in silico algorithms, and/or has population frequency not consistent with disease.